The following is an entry in ClinVar:

ClinVar aggregate classification (germline): Likely benign (0 of 4 stars; one submission).

Conditions:
XIRP2-related disorder. Also called: XIRP2-related condition.

Allele frequency attached by ClinVar (database versions not stated): gnomAD 0.00002; ExAC 0.00003; 1000 Genomes Project 30x 0.00016; 1000 Genomes Project 0.00020.
gnomAD v4.1: 20 of 1,613,682 alleles (0.0012%); highest among the groups gnomAD compares: South Asian, 0.019%; no homozygotes.

Submission:

PreventionGenetics, part of Exact Sciences
Classification: Likely benign for XIRP2-related condition. Last evaluated: 2019-05-27. Review status: no assertion criteria provided. Collection method: clinical testing. Allele origin: germline.
Comment: This variant is classified as likely benign based on ACMG/AMP sequence variant interpretation guidelines (Richards et al. 2015 PMID: 25741868, with internal and published modifications).

NM_152381.6(XIRP2):c.5331G>A (p.Glu1777=)

Gene: XIRP2 (xin actin binding repeat containing 2; plus strand). Cytogenetic location: 2q24.3.
Variant type: single nucleotide variant.
Coding change: c.5331G>A on transcript NM_152381.6 (MANE Select); coding-DNA position 5331, G replaced by A.
Protein change: p.Glu1777=; no amino-acid change (glutamic acid 1777 retained).
Molecular consequence: synonymous variant. On other transcripts: intron variant (3).
Genome position (GRCh38, 1-based): chr2:167,246,723, G>A. VCF-style: chr2-167246723-G-A. GRCh37 (hg19) VCF-style: chr2-168103233-G-A.
Other names: c.4665G>A, p.Glu1555= (NM_001199144.2); c.1275+4813G>A (NM_001199143.2); c.1176+4813G>A (NM_001079810.4); c.510+4813G>A (NM_001199145.2).
Identifiers: ClinVar variation 3038977 (VCV003038977.2), dbSNP rs574963311, ClinGen allele CA1947192.